The following is an entry in ClinVar:

NM_007078.3(LDB3):c.1111G>A (p.Ala371Thr)

Gene: LDB3 (LIM domain binding 3; plus strand). Cytogenetic location: 10q23.2.
Variant type: single nucleotide variant.
Coding change: c.1111G>A on transcript NM_007078.3 (MANE Select); coding-DNA position 1111, G replaced by A.
Protein change: p.Ala371Thr; replaces alanine 371 with threonine.
Molecular consequence: missense variant. On other transcripts: genic downstream transcript variant (1).
Genome position (GRCh38, 1-based): chr10:86,709,930, G>A. VCF-style: chr10-86709930-G-A. GRCh37 (hg19) VCF-style: chr10-88469687-G-A.
Other names: p.A371T:GCA>ACA; c.*10556G>A (NM_001080116.1); c.1126G>A, p.Ala376Thr (NM_001171610.2); c.922G>A, p.Ala308Thr (NM_001368064.1, NM_001368065.1); c.970G>A, p.Ala324Thr (NM_001368066.1); c.781G>A, p.Ala261Thr (NM_001080114.2); short protein forms A371T, A261T, A308T, A324T, A376T.
Identifiers: ClinVar variation 45511 (VCV000045511.82), dbSNP rs45539535, ClinGen allele CA136484.

ClinVar aggregate classification (germline): Conflicting classifications of pathogenicity. Review status: criteria provided, conflicting classifications (1 of 4 stars). 15 submissions from 15 submitters: Uncertain significance (1); Likely benign (9). 5 of the submissions do not count toward it. Last evaluated 2026-02-01.

Conditions:
LDB3-related disorder. Also called: LDB3-related condition.
Cardiovascular phenotype. Identifiers: MedGen CN230736.
Cardiomyopathy (CMYO). Also called: Cardiomyopathies. Identifiers: Orphanet 167848, MedGen C0878544, MONDO:0004994, HP:0001638. Inheritance: Various modes of inheritance.
Myofibrillar myopathy 4. Also called: Zaspopathy (type). Identifiers: Orphanet 98912, MedGen C4721886, MONDO:0012277, OMIM 609452.

Allele frequency attached by ClinVar (database versions not stated): ESP Exome Variant Server 0.00038; 1000 Genomes Project 0.00060; gnomAD exomes 0.00060 and 0.00097; ExAC 0.00063; TOPMed 0.00053; gnomAD 0.00054; 1000 Genomes Project 30x 0.00047.
gnomAD v4.1: 1,481 of 1,611,898 alleles (0.092%); highest among the groups gnomAD compares: Non-Finnish European, 0.12%; no homozygotes.

Submissions (15):

CeGaT Center for Human Genetics Tuebingen
Classification: Likely benign. Last evaluated: 2026-02-01. Review status: criteria provided, single submitter. Criteria: CeGaT Center For Human Genetics Tuebingen Variant Classification Criteria Version 2. Collection method: clinical testing. Allele origin: germline. Affected: yes. Observed: 3 variant alleles.
Comment: LDB3: BP4, BS2

Labcorp Genetics (formerly Invitae), Labcorp
Classification: Likely benign for Myofibrillar myopathy 4. Last evaluated: 2026-01-31. Review status: criteria provided, single submitter. Criteria: Invitae Variant Classification Sherloc (09022015). Collection method: clinical testing. Allele origin: germline.

Blueprint Genetics
Classification: Likely benign. Last evaluated: 2024-09-16. Review status: criteria provided, single submitter. Criteria: ACMG Guidelines, 2015. Collection method: clinical testing. Allele origin: germline.

Women's Health and Genetics/Laboratory Corporation of America, LabCorp
Classification: Likely benign. Last evaluated: 2023-07-09. Review status: criteria provided, single submitter. Criteria: LabCorp Variant Classification Summary - May 2015. Collection method: clinical testing. Allele origin: germline.

GeneDx
Classification: Likely benign. Last evaluated: 2020-11-10. Review status: criteria provided, single submitter. Criteria: GeneDx Variant Classification Process June 2021. Collection method: clinical testing. Allele origin: germline. Affected: yes.
Comment: This variant is associated with the following publications: (PMID: 19412328)

Ambry Genetics
Classification: Likely benign for Cardiovascular phenotype. Last evaluated: 2018-06-08. Review status: criteria provided, single submitter. Criteria: Ambry Variant Classification Scheme 2023. Collection method: clinical testing. Allele origin: germline.

Molecular Diagnostic Laboratory for Inherited Cardiovascular Disease, Montreal Heart Institute
Classification: Likely benign. Last evaluated: 2016-12-20. Review status: criteria provided, single submitter. Criteria: ACMG Guidelines, 2015. Collection method: clinical testing. Allele origin: germline. Affected: yes.

Laboratory for Molecular Medicine, Mass General Brigham Personalized Medicine
Classification: Likely benign. Last evaluated: 2016-04-20. Review status: criteria provided, single submitter. Criteria: LMM Criteria. Collection method: clinical testing. Allele origin: germline. Observed: 6 variant alleles.
Comment: p.Ala371Thr in exon 11 of LDB3: This variant is not expected to have clinical si gnificance due to a lack of conservation across species, including mammals. Of n ote, multiple mammals (rabbit, white rhinoceros, black flying fox, megabat, cape golden mole) have a threonine (Thr) at this position despite high nearby amino acid conservation. Computational prediction tools do not suggest a high likeliho od of impact to the protein. In addition, this variant has been identified in 63 /64062 European chromosomes by the Exome Aggregation Consortium (ExAC; dbSNP rs45539535).

CHEO Genetics Diagnostic Laboratory, Children's Hospital of Eastern Ontario
Classification: Uncertain significance for Cardiomyopathy. Last evaluated: 2015-09-17. Review status: criteria provided, single submitter. Criteria: ACMG Guidelines, 2015. Collection method: clinical testing. Allele origin: germline. Study: Canadian Open Genetics Repository.

Biesecker Lab/Clinical Genomics Section, National Institutes of Health
Classification: Likely benign. Last evaluated: 2013-06-24. Review status: criteria provided, single submitter. Criteria: Ng et al. (Circ Cardiovasc Genet. 2013). Collection method: research. Allele origin: unknown. Observed: 3 variant alleles. Study: ClinSeq.
Comment: The study set was not selected for affection status in relation to any cancer. Pathogenicity categories were based on literature curation. See Pubmed ID:23861362 for details.

Medical sequencing

PreventionGenetics, part of Exact Sciences
Classification: Likely benign for LDB3-related condition. Last evaluated: 2020-06-01. Review status: no assertion criteria provided. Collection method: clinical testing. Allele origin: germline. Not counted in ClinVar's aggregate classification.
Comment: This variant is classified as likely benign based on ACMG/AMP sequence variant interpretation guidelines (Richards et al. 2015 PMID: 25741868, with internal and published modifications).

Clinical Genetics DNA and cytogenetics Diagnostics Lab, Erasmus MC, Erasmus Medical Center
Classification: Likely benign. Review status: no assertion criteria provided. Collection method: clinical testing. Allele origin: germline. Affected: yes. Study: VKGL Data-share Consensus. Not counted in ClinVar's aggregate classification.

Clinical Genetics, Academic Medical Center
Classification: Likely benign. Review status: no assertion criteria provided. Collection method: clinical testing. Allele origin: germline. Affected: yes. Study: VKGL Data-share Consensus. Not counted in ClinVar's aggregate classification.

Genome Diagnostics Laboratory, University Medical Center Utrecht
Classification: Likely benign. Review status: no assertion criteria provided. Collection method: clinical testing. Allele origin: germline. Affected: yes. Study: VKGL Data-share Consensus. Not counted in ClinVar's aggregate classification.

Joint Genome Diagnostic Labs from Nijmegen and Maastricht, Radboudumc and MUMC+
Classification: Likely benign. Review status: no assertion criteria provided. Collection method: clinical testing. Allele origin: germline. Affected: yes. Study: VKGL Data-share Consensus. Not counted in ClinVar's aggregate classification.

Literature cited by the submitters: PubMed 19412328 (cited by Laboratory for Molecular Medicine, Mass General Brigham Personalized Medicine).